The following is an entry in ClinVar:

ClinVar aggregate classification (germline): Likely pathogenic (1 of 4 stars; one submission).

Conditions:
Familial adenomatous polyposis 1 (FAP1). Also called: FAMILIAL ADENOMATOUS POLYPOSIS 1, ATTENUATED; POLYPOSIS, ADENOMATOUS INTESTINAL. Identifiers: MedGen C2713442, MONDO:0021056, OMIM 175100. Disease mechanism: loss of function.

Submission:

Myriad Genetics, Inc.
Classification: Likely pathogenic for Familial adenomatous polyposis 1. Last evaluated: 2023-04-27. Review status: criteria provided, single submitter. Criteria: Myriad Autosomal Dominant, Autosomal Recessive and X-Linked Classification Criteria (2023). Collection method: clinical testing. Allele origin: unknown.
Comment: This variant is considered likely pathogenic. This variant occurs within a consensus splice junction and is predicted to result in abnormal mRNA splicing of either an out-of-frame exon or an in-frame exon necessary for protein stability and/or normal function.

NM_000038.6(APC):c.834+2T>C

Gene: APC (APC regulator of Wnt signaling pathway; plus strand). Cytogenetic location: 5q22.2.
Variant type: single nucleotide variant.
Coding change: c.834+2T>C on transcript NM_000038.6 (MANE Select); the canonical splice donor site of the intron after coding-DNA position 834, T replaced by C.
Molecular consequence: splice donor variant.
Genome position (GRCh38, 1-based): chr5:112,801,385, T>C. VCF-style: chr5-112801385-T-C. GRCh37 (hg19) VCF-style: chr5-112137082-T-C.
Other names: c.-202+2T>C (NM_001407470.1, NM_001407472.1, NM_001354906.2 and 1 more transcripts); c.834+2T>C (NM_001407447.1, NM_001354895.2, NM_001407456.1 and 12 more transcripts); c.750+2T>C (NM_001407452.1, NM_001407469.1, NM_001354899.2 and 1 more transcripts); c.864+2T>C (NM_001407446.1, NM_001354897.2, NM_001354902.2); c.780+2T>C (NM_001127511.3); c.657+2T>C (NM_001407453.1, NM_001354900.2, NM_001354901.2 and 1 more transcripts); c.759+2T>C (NM_001407451.1, NM_001354898.2, NM_001354904.2).
Identifiers: ClinVar variation 2583884 (VCV002583884.1), dbSNP rs2149712622, ClinGen allele CA360618295.